The following is an entry in ClinVar:

NM_018941.4(CLN8):c.-123-328C>G

Gene: CLN8 (CLN8 transmembrane ER and ERGIC protein; plus strand). Cytogenetic location: 8p23.3.
Variant type: single nucleotide variant.
Coding change: c.-123-328C>G on transcript NM_018941.4 (MANE Select); 328 bases into the intron before 123 bases upstream of the start codon, C replaced by G.
Molecular consequence: intron variant.
Genome position (GRCh38, 1-based): chr8:1,770,604, C>G. VCF-style: chr8-1770604-C-G. GRCh37 (hg19) VCF-style: chr8-1718770-C-G.
Identifiers: ClinVar variation 669706 (VCV000669706.1), dbSNP rs147182852, ClinGen allele CA170445413.

ClinVar aggregate classification (germline): Likely benign (1 of 4 stars; one submission).

Allele frequency attached by ClinVar (database versions not stated): TOPMed 0.01045; 1000 Genomes Project 30x 0.00547; 1000 Genomes Project 0.00599.
gnomAD v4.1: 1,972 of 152,176 alleles (1.3%); highest among the groups gnomAD compares: Non-Finnish European, 1.8%; 17 homozygotes.

Submission:

GeneDx
Classification: Likely benign. Last evaluated: 2018-06-14. Review status: criteria provided, single submitter. Criteria: GeneDx Variant Classification (06012015). Collection method: clinical testing. Allele origin: germline. Affected: yes.
Comment: This variant is considered likely benign or benign based on one or more of the following criteria: it is a conservative change, it occurs at a poorly conserved position in the protein, it is predicted to be benign by multiple in silico algorithms, and/or has population frequency not consistent with disease.